The following is an entry in ClinVar:

ClinVar aggregate classification (germline): Benign/Likely benign. Review status: criteria provided, multiple submitters, no conflicts (2 of 4 stars). 5 submissions from 5 submitters: Benign (2); Likely benign (3). Last evaluated 2026-01-19.

Conditions:
Charcot-Marie-Tooth disease dominant intermediate E. Also called: CHARCOT-MARIE-TOOTH NEUROPATHY WITH FOCAL SEGMENTAL GLOMERULONEPHRITIS. Identifiers: Orphanet 93114, MedGen C4302667, MONDO:0013758, OMIM 614455.
Focal segmental glomerulosclerosis 5 (FSGS5). Identifiers: Orphanet 656, MedGen C2750475, MONDO:0013191, OMIM 613237.

Allele frequency attached by ClinVar (database versions not stated): 1000 Genomes Project 30x 0.00031; 1000 Genomes Project 0.00040; TOPMed 0.00094; ESP Exome Variant Server 0.00115; gnomAD exomes 0.00139 and 0.00170; ExAC 0.00206.
gnomAD v4.1: 2,263 of 1,611,800 alleles (0.14%); highest among the groups gnomAD compares: Non-Finnish European, 0.15%; 7 homozygotes.

Submissions (5):

Labcorp Genetics (formerly Invitae), Labcorp
Classification: Benign for Charcot-Marie-Tooth disease dominant intermediate E; Focal segmental glomerulosclerosis 5. Last evaluated: 2026-01-19. Review status: criteria provided, single submitter. Criteria: Invitae Variant Classification Sherloc (09022015). Collection method: clinical testing. Allele origin: germline.

Blueprint Genetics
Classification: Likely benign. Last evaluated: 2024-11-25. Review status: criteria provided, single submitter. Criteria: ACMG Guidelines, 2015. Collection method: clinical testing. Allele origin: germline.

ARUP Laboratories, Molecular Genetics and Genomics, ARUP Laboratories
Classification: Benign. Last evaluated: 2023-12-12. Review status: criteria provided, single submitter. Criteria: ARUP Molecular Germline Variant Investigation Process 2024. Collection method: clinical testing. Allele origin: germline.

Fulgent Genetics
Classification: Likely benign for Focal segmental glomerulosclerosis 5; Charcot-Marie-Tooth disease dominant intermediate E. Last evaluated: 2021-10-26. Review status: criteria provided, single submitter. Criteria: ACMG Guidelines, 2015. Collection method: clinical testing. Allele origin: unknown.

GeneDx
Classification: Likely benign. Last evaluated: 2017-08-31. Review status: criteria provided, single submitter. Criteria: GeneDx Variant Classification (06012015). Collection method: clinical testing. Allele origin: germline. Affected: yes.
Comment: This variant is considered likely benign or benign based on one or more of the following criteria: it is a conservative change, it occurs at a poorly conserved position in the protein, it is predicted to be benign by multiple in silico algorithms, and/or has population frequency not consistent with disease.

NM_022489.4(INF2):c.2490-20C>T

Gene: INF2 (inverted formin 2; plus strand). Cytogenetic location: 14q32.33.
Variant type: single nucleotide variant.
Coding change: c.2490-20C>T on transcript NM_022489.4 (MANE Select); 20 bases into the intron before coding-DNA position 2490, C replaced by T.
Molecular consequence: intron variant.
Genome position (GRCh38, 1-based): chr14:104,712,413, C>T. VCF-style: chr14-104712413-C-T. GRCh37 (hg19) VCF-style: chr14-105178750-C-T.
Other names: c.2490-20C>T (NM_001031714.4).
Identifiers: ClinVar variation 389211 (VCV000389211.13), dbSNP rs187104422, ClinGen allele CA7372959.